The following is an entry in ClinVar:

ClinVar aggregate classification (germline): Uncertain significance. Review status: criteria provided, multiple submitters, no conflicts (2 of 4 stars). 2 submissions from 2 submitters: Uncertain significance (2). Last evaluated 2025-06-22.

gnomAD v4.1: 2 of 1,614,102 alleles (0.00012%); highest among the groups gnomAD compares: Non-Finnish European, 0.00017%; no homozygotes.

Submissions (2):

Labcorp Genetics (formerly Invitae), Labcorp
Classification: Uncertain significance. Last evaluated: 2025-06-22. Review status: criteria provided, single submitter. Criteria: Invitae Variant Classification Sherloc (09022015). Collection method: clinical testing. Allele origin: germline.
Comment: This sequence change replaces valine, which is neutral and non-polar, with leucine, which is neutral and non-polar, at codon 366 of the COCH protein (p.Val366Leu). This variant is present in population databases (no rsID available, gnomAD 0.007%). This variant has not been reported in the literature in individuals affected with COCH-related conditions. Invitae Evidence Modeling of protein sequence and biophysical properties (such as structural, functional, and spatial information, amino acid conservation, physicochemical variation, residue mobility, and thermodynamic stability) indicates that this missense variant is expected to disrupt COCH protein function with a positive predictive value of 95%. In summary, the available evidence is currently insufficient to determine the role of this variant in disease. Therefore, it has been classified as a Variant of Uncertain Significance.

Blueprint Genetics
Classification: Uncertain significance. Last evaluated: 2022-03-05. Review status: criteria provided, single submitter. Criteria: ACMG Guidelines, 2015. Collection method: clinical testing. Allele origin: germline.

NM_004086.3(COCH):c.1096G>T (p.Val366Leu)

Genes: COCH (cochlin; plus strand), COCH-AS1 (COCH antisense RNA 1; minus strand). Cytogenetic location: 14q12.
Variant type: single nucleotide variant.
Coding change: c.1096G>T on transcript NM_004086.3 (MANE Select); coding-DNA position 1096, G replaced by T.
Protein change: p.Val366Leu; replaces valine 366 with leucine.
Molecular consequence: missense variant. On other transcripts: non-coding transcript variant (1).
Genome position (GRCh38, 1-based): chr14:30,885,931, G>T. VCF-style: chr14-30885931-G-T. GRCh37 (hg19) VCF-style: chr14-31355137-G-T.
Other names: c.1096G>T, p.Val366Leu (NM_001135058.2); c.1291G>T, p.Val431Leu (NM_001347720.2); short protein forms V366L, V431L.
Identifiers: ClinVar variation 4773195 (VCV004773195.2).